The following is an entry in ClinVar:

ClinVar aggregate classification (germline): Uncertain significance (1 of 4 stars; one submission).

Allele frequency attached by ClinVar (database versions not stated): gnomAD exomes below 0.00001.
gnomAD v4.1: 2 of 1,606,662 alleles (0.00012%); highest among the groups gnomAD compares: Non-Finnish European, 0.000085%; no homozygotes.

Submission:

Labcorp Genetics (formerly Invitae), Labcorp
Classification: Uncertain significance. Last evaluated: 2023-10-10. Review status: criteria provided, single submitter. Criteria: Invitae Variant Classification Sherloc (09022015). Collection method: clinical testing. Allele origin: germline.
Comment: This sequence change replaces leucine, which is neutral and non-polar, with glutamine, which is neutral and polar, at codon 370 of the NKX2-1 protein (p.Leu370Gln). This variant is not present in population databases (gnomAD no frequency). This variant has not been reported in the literature in individuals affected with NKX2-1-related conditions. An algorithm developed to predict the effect of missense changes on protein structure and function (PolyPhen-2) suggests that this variant is likely to be disruptive. In summary, the available evidence is currently insufficient to determine the role of this variant in disease. Therefore, it has been classified as a Variant of Uncertain Significance.

NM_001079668.3(NKX2-1):c.1109T>A (p.Leu370Gln)

Genes: NKX2-1 (NK2 homeobox 1; minus strand), SFTA3 (surfactant associated 3; minus strand). Cytogenetic location: 14q13.3.
Variant type: single nucleotide variant.
Coding change: c.1109T>A on transcript NM_001079668.3 (MANE Select); coding-DNA position 1109, T replaced by A.
Protein change: p.Leu370Gln; replaces leucine 370 with glutamine.
Molecular consequence: missense variant.
Genome position (GRCh38, 1-based): chr14:36,517,375, A>T on the plus strand (T>A on the coding strand, the complement: NKX2-1 is on the minus strand). VCF-style: chr14-36517375-A-T. GRCh37 (hg19) VCF-style: chr14-36986580-A-T.
Other names: c.1019T>A, p.Leu340Gln (NM_003317.4); short protein forms L340Q, L370Q.
Identifiers: ClinVar variation 2791560 (VCV002791560.3), dbSNP rs2139405528, ClinGen allele CA389458079.